The following is an entry in ClinVar:

NM_007294.4(BRCA1):c.5179A>C (p.Lys1727Gln)

Gene: BRCA1 (BRCA1 DNA repair associated; minus strand). Cytogenetic location: 17q21.31.
Variant type: single nucleotide variant.
Coding change: c.5179A>C on transcript NM_007294.4 (MANE Select); coding-DNA position 5179, A replaced by C.
Protein change: p.Lys1727Gln; replaces lysine 1727 with glutamine.
Molecular consequence: missense variant. On other transcripts: non-coding transcript variant (1).
Genome position (GRCh38, 1-based): chr17:43,063,347, T>G on the plus strand (A>C on the coding strand, the complement: BRCA1 is on the minus strand). VCF-style: chr17-43063347-T-G. GRCh37 (hg19) VCF-style: chr17-41215364-T-G.
Other names: c.4966A>C, p.Lys1656Gln (NM_001407571.1, NM_001407899.1, NM_001407900.1 and 12 more transcripts); c.5245A>C, p.Lys1749Gln (NM_001407581.1, NM_001407582.1); c.5242A>C, p.Lys1748Gln (NM_001407583.1, NM_001407585.1, NM_001407587.1 and 1 more transcripts); c.5239A>C, p.Lys1747Gln (NM_001407590.1, NM_001407591.1); c.5179A>C, p.Lys1727Gln (NM_001407593.1, NM_001407594.1, NM_001407596.1 and 7 more transcripts); c.5176A>C, p.Lys1726Gln (NM_001407610.1, NM_001407611.1, NM_001407612.1 and 17 more transcripts); c.5173A>C, p.Lys1725Gln (NM_001407628.1, NM_001407629.1, NM_001407630.1 and 14 more transcripts); c.5122A>C, p.Lys1708Gln (NM_001407648.1); and 72 more; short protein forms K1727Q, K1680Q, K623Q, K1748Q, K1615Q, K1639Q, K1659Q, K1679Q.
Identifiers: ClinVar variation 418072 (VCV000418072.5), dbSNP rs80357347, ClinGen allele CA10591187.

ClinVar aggregate classification (germline): Uncertain significance (1 of 4 stars; one submission).

Submissions (2):

GeneDx
Classification: Uncertain significance. Last evaluated: 2015-01-27. Review status: criteria provided, single submitter. Criteria: GeneDx Variant Classification (06012015). Collection method: clinical testing. Allele origin: germline. Affected: yes.
Comment: This variant is denoted BRCA1 c.5179A>C at the cDNA level, p.Lys1727Gln (K1727Q) at the protein level, and results in the change of a Lysine to a Glutamine (AAA>CAA). Using alternate nomenclature, this variant would be defined as BRCA1 5298A>C. This variant has not, to our knowledge, been published in the literature as pathogenic or benign. BRCA1 Lys1727Gln was not observed in approximately 6,500 individuals of European and African American ancestry in the NHLBI Exome Sequencing Project, indicating it is not a common benign variant in these populations. Since Lysine and Glutamine differ in some properties, this is considered a semi-conservative amino acid substitution. BRCA1 Lys1727Gln occurs at a position that is conserved among mammals and is located within the BRCT1 domain (UniProt, Roy 2012). In silico analyses are inconsistent regarding the effect this variant may have on protein structure and function. Based on currently available information, it is unclear whether BRCA1 Lys1727Gln is pathogenic or benign. We consider it to be a variant of uncertain significance.

Brotman Baty Institute, University of Washington
No classification provided (evidence only). Condition: Breast-ovarian cancer, familial 1. Review status: no classification provided. Collection method: in vitro. Allele origin: not applicable. Functional consequence: functionally_normal. Not counted in ClinVar's aggregate classification.
ClinVar note: "not provided" was previously submitted as the classification for the variant. However, the classification appeared to be based only on an observation of functional data so it was converted to no classification on 2025-07-30.